The following is an entry in ClinVar:

NM_001130823.3(DNMT1):c.4867A>G (p.Lys1623Glu)

Gene: DNMT1 (DNA methyltransferase 1; minus strand). Cytogenetic location: 19p13.2.
Variant type: single nucleotide variant.
Coding change: c.4867A>G on transcript NM_001130823.3 (MANE Select); coding-DNA position 4867, A replaced by G.
Protein change: p.Lys1623Glu; replaces lysine 1623 with glutamic acid.
Molecular consequence: missense variant.
Genome position (GRCh38, 1-based): chr19:10,133,699, T>C on the plus strand (A>G on the coding strand, the complement: DNMT1 is on the minus strand). VCF-style: chr19-10133699-T-C. GRCh37 (hg19) VCF-style: chr19-10244375-T-C.
Other names: c.4828A>G, p.Lys1610Glu (NM_001318730.2); c.4504A>G, p.Lys1502Glu (NM_001318731.2); c.4819A>G, p.Lys1607Glu (NM_001379.4); short protein forms K1623E, K1610E, K1502E, K1607E.
Identifiers: ClinVar variation 1986087 (VCV001986087.5), dbSNP rs751625674, ClinGen allele CA9187362.

ClinVar aggregate classification (germline): Uncertain significance. Review status: criteria provided, multiple submitters, no conflicts (2 of 4 stars). 2 submissions from 2 submitters: Uncertain significance (2). Last evaluated 2025-06-30.

Conditions:
Hereditary sensory neuropathy-deafness-dementia syndrome. Also called: Hereditary sensory neuropathy type IE; NEUROPATHY, HEREDITARY SENSORY, WITH HEARING LOSS AND DEMENTIA; Hereditary Sensory and Autonomic Neuropathy Type 1E (HSAN1E); HSN IE. Identifiers: Orphanet 456318, MedGen C3279885, MONDO:0013584, OMIM 614116.

Allele frequency attached by ClinVar (database versions not stated): gnomAD exomes below 0.00001; TOPMed 0.00001.
gnomAD v4.1: 7 of 1,592,420 alleles (0.00044%); highest among the groups gnomAD compares: Non-Finnish European, 0.00051%; no homozygotes.

Submissions (2):

GeneDx
Classification: Uncertain significance. Last evaluated: 2025-06-30. Review status: criteria provided, single submitter. Criteria: GeneDx Variant Classification Process June 2021. Collection method: clinical testing. Allele origin: germline. Affected: yes.
Comment: Not observed at significant frequency in large population cohorts (gnomAD); In silico analysis suggests that this missense variant does not alter protein structure/function; Has not been previously published as pathogenic or benign to our knowledge

Labcorp Genetics (formerly Invitae), Labcorp
Classification: Uncertain significance for Hereditary sensory neuropathy-deafness-dementia syndrome. Last evaluated: 2022-04-04. Review status: criteria provided, single submitter. Criteria: Invitae Variant Classification Sherloc (09022015). Collection method: clinical testing. Allele origin: germline.
Comment: In summary, the available evidence is currently insufficient to determine the role of this variant in disease. Therefore, it has been classified as a Variant of Uncertain Significance. Algorithms developed to predict the effect of missense changes on protein structure and function are either unavailable or do not agree on the potential impact of this missense change (SIFT: "Deleterious"; PolyPhen-2: "Not Available"; Align-GVGD: "Class C0"). This variant has not been reported in the literature in individuals affected with DNMT1-related conditions. This variant is not present in population databases (gnomAD no frequency). This sequence change replaces lysine, which is basic and polar, with glutamic acid, which is acidic and polar, at codon 1623 of the DNMT1 protein (p.Lys1623Glu).